The following is an entry in ClinVar:

NM_015450.3(POT1):c.949+1G>C

Gene: POT1 (protection of telomeres 1; minus strand). Cytogenetic location: 7q31.33.
Variant type: single nucleotide variant.
Coding change: c.949+1G>C on transcript NM_015450.3 (MANE Select); the canonical splice donor site of the intron after coding-DNA position 949, G replaced by C.
Molecular consequence: splice donor variant.
Genome position (GRCh38, 1-based): chr7:124,851,871, C>G on the plus strand (G>C on the coding strand, the complement: POT1 is on the minus strand). VCF-style: chr7-124851871-C-G. GRCh37 (hg19) VCF-style: chr7-124491925-C-G.
Other names: c.556+1G>C (NM_001042594.2).
Identifiers: ClinVar variation 2845560 (VCV002845560.3), dbSNP rs2116500730, ClinGen allele CA369054229.
Genomic context (GRCh38, chr7:124,851,871, plus strand): 5'-TGTTGATAAAACTATTTTATTTAGCAAGAACTAAACTGTCAATGTTAAAGATTATCCTTA[C>G]TTGGAAAGCTGTCGTCAGGTTCTGATTGACAGATAACATCTGAATGCTGATTGGCTGTCA-3'

ClinVar aggregate classification (germline): Likely pathogenic (1 of 4 stars; one submission).

Conditions:
Tumor predisposition syndrome 3 (TPDS3). Also called: LONG TELOMERE SYNDROME, POT1-RELATED; POT1 Tumor Predisposition; Melanoma, cutaneous malignant, susceptibility to, 10; Glioma susceptibility 9. Identifiers: Orphanet 618, MedGen C4014476, MONDO:0014368, OMIM 615848.

Submission:

Labcorp Genetics (formerly Invitae), Labcorp
Classification: Likely pathogenic for Tumor predisposition syndrome 3. Last evaluated: 2023-10-04. Review status: criteria provided, single submitter. Criteria: Invitae Variant Classification Sherloc (09022015). Collection method: clinical testing. Allele origin: germline.
Comment: This sequence change affects a donor splice site in intron 11 of the POT1 gene. RNA analysis indicates that disruption of this splice site induces altered splicing and may result in an absent or disrupted protein product. This variant is not present in population databases (gnomAD no frequency). This variant has not been reported in the literature in individuals affected with POT1-related conditions. Studies have shown that disruption of this splice site results in skipping of exon 11 and introduces a premature termination codon (Invitae). The resulting mRNA is expected to undergo nonsense-mediated decay. In summary, the currently available evidence indicates that the variant is pathogenic, but additional data are needed to prove that conclusively. Therefore, this variant has been classified as Likely Pathogenic.